The following is an entry in ClinVar:

ClinVar aggregate classification (germline): Benign/Likely benign. Review status: criteria provided, multiple submitters, no conflicts (2 of 4 stars). 14 submissions from 14 submitters: Benign (11); Likely benign (2). 1 of the submissions does not count toward it. Last evaluated 2026-09-21.

Conditions:
Cardiovascular phenotype. Identifiers: MedGen CN230736.
Catecholaminergic polymorphic ventricular tachycardia 1. Also called: VENTRICULAR TACHYCARDIA, STRESS-INDUCED POLYMORPHIC 1; VENTRICULAR TACHYCARDIA, CATECHOLAMINERGIC POLYMORPHIC, 1, WITH OR WITHOUT ATRIAL DYSFUNCTION AND/OR DILATED CARDIOMYOPATHY; RYR2-Related Catecholaminergic Polymorphic Ventricular Tachycardia. Identifiers: Orphanet 3286, MedGen C1631597, MONDO:0011484, OMIM 604772.
Catecholaminergic polymorphic ventricular tachycardia 2. Also called: VENTRICULAR TACHYCARDIA, STRESS-INDUCED POLYMORPHIC 2; CASQ2-Related Catecholaminergic Polymorphic Ventricular Tachycardia. Identifiers: Orphanet 3286, MedGen C2677794, MONDO:0012762, OMIM 611938.

Allele frequency attached by ClinVar (database versions not stated): 1000 Genomes Project 30x 0.03139; 1000 Genomes Project 0.03095; gnomAD 0.04776 and 0.04871; ESP Exome Variant Server 0.04406; gnomAD exomes 0.05658; TOPMed 0.04916; ExAC 0.05420.
gnomAD v4.1: 90,407 of 1,612,070 alleles (5.6%); highest among the groups gnomAD compares: Admixed American, 9.9%; 2,957 homozygotes.

Submissions (14):

Molecular Diagnostic Laboratory for Inherited Cardiovascular Disease, Montreal Heart Institute
Classification: Benign. Last evaluated: 2026-09-21. Review status: criteria provided, single submitter. Criteria: ACMG Guidelines, 2015. Collection method: clinical testing. Allele origin: germline. Affected: no.

Labcorp Genetics (formerly Invitae), Labcorp
Classification: Benign for Catecholaminergic polymorphic ventricular tachycardia 1. Last evaluated: 2026-02-04. Review status: criteria provided, single submitter. Criteria: Invitae Variant Classification Sherloc (09022015). Collection method: clinical testing. Allele origin: germline.

Blueprint Genetics
Classification: Benign. Last evaluated: 2024-11-26. Review status: criteria provided, single submitter. Criteria: ACMG Guidelines, 2015. Collection method: clinical testing. Allele origin: germline.

Genome-Nilou Lab
Classification: Likely benign for Catecholaminergic polymorphic ventricular tachycardia 2. Last evaluated: 2023-04-11. Review status: criteria provided, single submitter. Criteria: ACMG Guidelines, 2015. Collection method: clinical testing. Allele origin: germline. Affected: no.

Illumina Laboratory Services, Illumina
Classification: Benign for Catecholaminergic polymorphic ventricular tachycardia 2. Last evaluated: 2018-01-12. Review status: criteria provided, single submitter. Criteria: ICSL Variant Classification Criteria 13 December 2019. Collection method: clinical testing. Allele origin: germline.
Comment: This variant was observed in the ICSL laboratory as part of a predisposition screen in an ostensibly healthy population. It had not been previously curated by ICSL or reported in the Human Gene Mutation Database (HGMD: prior to June 1st, 2018), and was therefore a candidate for classification through an automated scoring system. Utilizing variant allele frequency, disease prevalence and penetrance estimates, and inheritance mode, an automated score was calculated to assess if this variant is too frequent to cause the disease. Based on the score and internal cut-off values, a variant classified as benign is not then subjected to further curation. The score for this variant resulted in a classification of benign for this disease.

Genome Diagnostics Laboratory, University Medical Center Utrecht
Classification: Benign for Catecholaminergic polymorphic ventricular tachycardia 2. Last evaluated: 2016-11-17. Review status: criteria provided, single submitter. Criteria: ACGS Guidelines, 2013. Collection method: clinical testing. Allele origin: germline. Affected: yes. Study: VKGL Data-share Consensus.

Clinical Genetics DNA and cytogenetics Diagnostics Lab, Erasmus MC, Erasmus Medical Center
Classification: Benign for Catecholaminergic polymorphic ventricular tachycardia 2. Last evaluated: 2015-09-21. Review status: criteria provided, single submitter. Criteria: ACGS Guidelines, 2013. Collection method: clinical testing. Allele origin: germline. Affected: yes. Study: VKGL Data-share Consensus.

Ambry Genetics
Classification: Benign for Cardiovascular phenotype. Last evaluated: 2015-06-23. Review status: criteria provided, single submitter. Criteria: Ambry Variant Classification Scheme 2023. Collection method: clinical testing. Allele origin: germline.

GeneDx
Classification: Benign. Last evaluated: 2015-03-03. Review status: criteria provided, single submitter. Criteria: GeneDx Variant Classification Process June 2021. Collection method: clinical testing. Allele origin: germline. Affected: yes.

Mayo Clinic Laboratories, Mayo Clinic
Classification: Benign. Last evaluated: 2014-08-06. Review status: criteria provided, single submitter. Criteria: ACMG Guidelines, 2015. Collection method: clinical testing. Allele origin: germline. Observed: 43 variant alleles.

Laboratory for Molecular Medicine, Mass General Brigham Personalized Medicine
Classification: Benign. Last evaluated: 2011-09-16. Review status: criteria provided, single submitter. Criteria: LMM Criteria. Collection method: clinical testing. Allele origin: germline. Observed: 187 variant alleles.

Breakthrough Genomics
Classification: Likely benign. Review status: criteria provided, single submitter. Criteria: ACMG Guidelines, 2015. Collection method: not provided. Allele origin: germline. Inheritance: Autosomal recessive inheritance. Affected: yes.

PreventionGenetics, part of Exact Sciences
Classification: Benign. Review status: criteria provided, single submitter. Criteria: ACMG Guidelines, 2015. Collection method: clinical testing. Allele origin: germline.

Clinical Genetics, Academic Medical Center
Classification: Benign. Review status: no assertion criteria provided. Collection method: clinical testing. Allele origin: germline. Affected: yes. Study: VKGL Data-share Consensus. Not counted in ClinVar's aggregate classification.

NM_001232.4(CASQ2):c.1194T>C (p.Asp398=)

Gene: CASQ2 (calsequestrin 2; minus strand). Cytogenetic location: 1p13.1.
Variant type: single nucleotide variant.
Coding change: c.1194T>C on transcript NM_001232.4 (MANE Select); coding-DNA position 1194, T replaced by C.
Protein change: p.Asp398=; no amino-acid change (aspartic acid 398 retained).
Molecular consequence: synonymous variant.
Genome position (GRCh38, 1-based): chr1:115,701,247, A>G on the plus strand (T>C on the coding strand, the complement: CASQ2 is on the minus strand). VCF-style: chr1-115701247-A-G. GRCh37 (hg19) VCF-style: chr1-116243868-A-G.
Other names: p.Asp398=.
Identifiers: ClinVar variation 44159 (VCV000044159.31), dbSNP rs28730711, ClinGen allele CA133699.